The following is an entry in ClinVar:

ClinVar aggregate classification (germline): Uncertain significance (1 of 4 stars; one submission).

Conditions:
Combined oxidative phosphorylation defect type 17. Also called: Combined oxidative phosphorylation deficiency 17. Identifiers: Orphanet 369913, MedGen C3809526, MONDO:0014190, OMIM 615440.

Allele frequency attached by ClinVar (database versions not stated): gnomAD 0.00001; gnomAD exomes 0.00004 and 0.00007; ExAC 0.00005; TOPMed 0.00006.
gnomAD v4.1: 24 of 1,605,774 alleles (0.0015%); highest among the groups gnomAD compares: Admixed American, 0.037%; no homozygotes.

Submission:

Labcorp Genetics (formerly Invitae), Labcorp
Classification: Uncertain significance for Combined oxidative phosphorylation defect type 17. Last evaluated: 2024-01-02. Review status: criteria provided, single submitter. Criteria: Invitae Variant Classification Sherloc (09022015). Collection method: clinical testing. Allele origin: germline.
Comment: This sequence change replaces isoleucine, which is neutral and non-polar, with serine, which is neutral and polar, at codon 764 of the ELAC2 protein (p.Ile764Ser). This variant is present in population databases (rs779668862, gnomAD 0.06%). This variant has not been reported in the literature in individuals affected with ELAC2-related conditions. ClinVar contains an entry for this variant (Variation ID: 1436408). Advanced modeling of protein sequence and biophysical properties (such as structural, functional, and spatial information, amino acid conservation, physicochemical variation, residue mobility, and thermodynamic stability) performed at Invitae indicates that this missense variant is not expected to disrupt ELAC2 protein function with a negative predictive value of 80%. In summary, the available evidence is currently insufficient to determine the role of this variant in disease. Therefore, it has been classified as a Variant of Uncertain Significance.

NM_018127.7(ELAC2):c.2291T>G (p.Ile764Ser)

Gene: ELAC2 (elaC ribonuclease Z 2; minus strand). Cytogenetic location: 17p12.
Variant type: single nucleotide variant.
Coding change: c.2291T>G on transcript NM_018127.7 (MANE Select); coding-DNA position 2291, T replaced by G.
Protein change: p.Ile764Ser; replaces isoleucine 764 with serine.
Molecular consequence: missense variant.
Genome position (GRCh38, 1-based): chr17:12,993,008, A>C on the plus strand (T>G on the coding strand, the complement: ELAC2 is on the minus strand). VCF-style: chr17-12993008-A-C. GRCh37 (hg19) VCF-style: chr17-12896325-A-C.
Other names: c.2171T>G, p.Ile724Ser (NM_001165962.2); c.2288T>G, p.Ile763Ser (NM_173717.2); short protein forms I724S, I763S, I764S.
Identifiers: ClinVar variation 1436408 (VCV001436408.4), dbSNP rs779668862, ClinGen allele CA8400842.
Genomic context (GRCh38, chr17:12,993,008, plus strand): 5'-TTCTCCCTGCGCTCCTCCATCTCCTCGATGTCGCCAGCAAACAGGGCTTTCAGTGGGGGA[A>C]TCAGCTTGGGCATTGTTGGAAAGTCTCCAAAGCAGACCTAGAAGACACAATAGAAGACAA-3'
Protein context (NP_060597.4, residues 754-774): FGDFPTMPKL[Ile764Ser]PPLKALFAGD